The following is an entry in ClinVar:

NM_000147.5(FUCA1):c.1123T>C (p.Trp375Arg)

Gene: FUCA1 (alpha-L-fucosidase 1; minus strand). Cytogenetic location: 1p36.11.
Variant type: single nucleotide variant.
Coding change: c.1123T>C on transcript NM_000147.5 (MANE Select); coding-DNA position 1123, T replaced by C.
Protein change: p.Trp375Arg; replaces tryptophan 375 with arginine.
Molecular consequence: missense variant. On other transcripts: non-coding transcript variant (4).
Genome position (GRCh38, 1-based): chr1:23,848,686, A>G on the plus strand (T>C on the coding strand, the complement: FUCA1 is on the minus strand). VCF-style: chr1-23848686-A-G. GRCh37 (hg19) VCF-style: chr1-24175176-A-G.
Other names: short protein forms W375R.
Identifiers: ClinVar variation 2082511 (VCV002082511.1), dbSNP rs984479234, ClinGen allele CA19322661.

ClinVar aggregate classification (germline): Uncertain significance (1 of 4 stars; one submission).

Conditions:
Fucosidosis. Also called: ALPHA-L-FUCOSIDASE DEFICIENCY. Identifiers: Orphanet 349, MedGen C0016788, MONDO:0009254, OMIM 230000.

Allele frequency attached by ClinVar (database versions not stated): gnomAD exomes below 0.00001; gnomAD 0.00002; TOPMed 0.00002.
gnomAD v4.1: 5 of 1,614,074 alleles (0.00031%); highest among the groups gnomAD compares: African/African-American, 0.0067%; no homozygotes.

Submission:

Labcorp Genetics (formerly Invitae), Labcorp
Classification: Uncertain significance for Fucosidosis. Last evaluated: 2022-01-07. Review status: criteria provided, single submitter. Criteria: Invitae Variant Classification Sherloc (09022015). Collection method: clinical testing. Allele origin: germline.
Comment: This sequence change replaces tryptophan, which is neutral and slightly polar, with arginine, which is basic and polar, at codon 375 of the FUCA1 protein (p.Trp375Arg). This variant is present in population databases (no rsID available, gnomAD 0.02%). This variant has not been reported in the literature in individuals affected with FUCA1-related conditions. Algorithms developed to predict the effect of missense changes on protein structure and function (SIFT, PolyPhen-2, Align-GVGD) all suggest that this variant is likely to be disruptive. In summary, the available evidence is currently insufficient to determine the role of this variant in disease. Therefore, it has been classified as a Variant of Uncertain Significance.